The following is an entry in ClinVar:

ClinVar aggregate classification (germline): Benign. Review status: criteria provided, multiple submitters, no conflicts (2 of 4 stars). 2 submissions from 2 submitters: Benign (2). Last evaluated 2026-01-21.

Allele frequency attached by ClinVar (database versions not stated): gnomAD exomes 0.31499; ESP Exome Variant Server 0.32163; ExAC 0.33617; gnomAD 0.33831; TOPMed 0.34083; 1000 Genomes Project 30x 0.35087; 1000 Genomes Project 0.35523.
gnomAD v4.1: 511,753 of 1,611,306 alleles (32%); highest among the groups gnomAD compares: East Asian, 41%; 82,776 homozygotes.

Submissions (2):

Women's Health and Genetics/Laboratory Corporation of America, LabCorp
Classification: Benign. Last evaluated: 2026-01-21. Review status: criteria provided, single submitter. Criteria: LabCorp Variant Classification Summary - May 2015. Collection method: clinical testing. Allele origin: germline.

Unidad de Genómica Garrahan, Hospital de Pediatría Garrahan
Classification: Benign. Last evaluated: 2024-01-24. Review status: criteria provided, single submitter. Criteria: ACMG Guidelines, 2015. Collection method: clinical testing. Allele origin: germline. Affected: no. Observed: 55 variant alleles.
Comment: This variant is classified as Benign based on local population frequency. This variant was detected in 58% of patients studied by a panel of primary immunodeficiencies. Number of patients: 55. Only high quality variants are reported.

NM_005565.5(LCP2):c.142-18T>C

Gene: LCP2 (lymphocyte cytosolic protein 2; minus strand). Cytogenetic location: 5q35.1.
Variant type: single nucleotide variant.
Coding change: c.142-18T>C on transcript NM_005565.5 (MANE Select); 18 bases into the intron before coding-DNA position 142, T replaced by C.
Molecular consequence: intron variant.
Genome position (GRCh38, 1-based): chr5:170,288,034, A>G on the plus strand (T>C on the coding strand, the complement: LCP2 is on the minus strand). VCF-style: chr5-170288034-A-G. GRCh37 (hg19) VCF-style: chr5-169715038-A-G.
Identifiers: ClinVar variation 2688081 (VCV002688081.3), dbSNP rs315721, ClinGen allele CA3555837.